The following is an entry in ClinVar:

ClinVar aggregate classification (germline): Uncertain significance (1 of 4 stars; one submission).

Submission:

GeneDx
Classification: Uncertain significance. Last evaluated: 2023-01-17. Review status: criteria provided, single submitter. Criteria: GeneDx Variant Classification Process June 2021. Collection method: clinical testing. Allele origin: germline. Affected: yes.
Comment: Not observed at significant frequency in large population cohorts (gnomAD); In silico analysis supports that this missense variant does not alter protein structure/function; Has not been previously published as pathogenic or benign to our knowledge

NM_015335.5(MED13L):c.3596G>A (p.Arg1199Lys)

Gene: MED13L (mediator complex subunit 13L; minus strand). Cytogenetic location: 12q24.21.
Variant type: single nucleotide variant.
Coding change: c.3596G>A on transcript NM_015335.5 (MANE Select); coding-DNA position 3596, G replaced by A.
Protein change: p.Arg1199Lys; replaces arginine 1199 with lysine.
Molecular consequence: missense variant.
Genome position (GRCh38, 1-based): chr12:115,991,358, C>T on the plus strand (G>A on the coding strand, the complement: MED13L is on the minus strand). VCF-style: chr12-115991358-C-T. GRCh37 (hg19) VCF-style: chr12-116429163-C-T.
Other names: short protein forms R1199K.
Identifiers: ClinVar variation 2572923 (VCV002572923.1), dbSNP rs1878049532, ClinGen allele CA386887311.
Genomic context (GRCh38, chr12:115,991,358, plus strand): 5'-TGGGGTTTTTTGGTTCCTTCCACCTGAGGAAGGAAGGTGGACTGACACATCATTAAGCGC[C>T]TCTCTGCAGCCTGACCAATATCAGAATTCTTCCCAAAAATATCCAACTCATCTTCAAGGA-3'
Protein context (NP_056150.1, residues 1189-1209): KNSDIGQAAE[Arg1199Lys]RLMMCQSTFL